The following is an entry in ClinVar:

NM_006096.4(NDRG1):c.205+1G>A

Gene: NDRG1 (N-myc downstream regulated 1; minus strand). Cytogenetic location: 8q24.22.
Variant type: single nucleotide variant.
Coding change: c.205+1G>A on transcript NM_006096.4 (MANE Select); the canonical splice donor site of the intron after coding-DNA position 205, G replaced by A.
Molecular consequence: splice donor variant. On other transcripts: intron variant (1).
Genome position (GRCh38, 1-based): chr8:133,264,546, C>T on the plus strand (G>A on the coding strand, the complement: NDRG1 is on the minus strand). VCF-style: chr8-133264546-C-T. GRCh37 (hg19) VCF-style: chr8-134276789-C-T.
Other names: c.7+1G>A (NM_001258432.2, NM_001374847.1); c.-38-2379G>A (NM_001258433.2); c.205+1G>A (NM_001374844.1, NM_001135242.2, NM_001374845.1 and 1 more transcripts).
Identifiers: ClinVar variation 410952 (VCV000410952.21), dbSNP rs1060503092, ClinGen allele CA16612479.

ClinVar aggregate classification (germline): Pathogenic/Likely pathogenic. Review status: criteria provided, multiple submitters, no conflicts (2 of 4 stars). 6 submissions from 6 submitters: Pathogenic (2); Likely pathogenic (4). Last evaluated 2026-03-12.

Conditions:
NDRG1-related disorder. Also called: NDRG1-related condition.
Charcot-Marie-Tooth disease type 4. Also called: Charcot-Marie-Tooth disease, type IV; Charcot-Marie-Tooth, Type 4. Identifiers: Orphanet 64749, MedGen C4082197, MONDO:0018995.
Charcot-Marie-Tooth disease type 4D. Also called: CHARCOT-MARIE-TOOTH DISEASE, DEMYELINATING, AUTOSOMAL RECESSIVE, TYPE 4D; NEUROPATHY, HEREDITARY MOTOR AND SENSORY, LOM TYPE; Charcot-Marie-Tooth Neuropathy Type 4D; CHARCOT-MARIE-TOOTH DISEASE, DEMYELINATING, TYPE 4D. Identifiers: Orphanet 99950, MedGen C1832334, MONDO:0011085, OMIM 601455.

Allele frequency attached by ClinVar (database versions not stated): gnomAD 0.00001.

Submissions (6):

PreventionGenetics, part of Exact Sciences
Classification: Likely pathogenic for NDRG1-related condition. Last evaluated: 2026-03-12. Review status: criteria provided, single submitter. Criteria: ACMG Guidelines, 2015. Collection method: clinical testing. Allele origin: germline.
Comment: The NDRG1 c.205+1G>A variant is predicted to disrupt the GT donor site and interfere with normal splicing. This variant has been reported in the heterozygous state without a second causative variant identified in an individual with a suspicion of Charcot-Marie-Tooth disease (Yalcintepe et al. 2021. PubMed ID: 34169998). This variant has not been reported in a large population database (gnomAD), indicating this variant is rare. This variant has not been reported in a large population database (gnomAD), indicating this variant is rare. Variants that disrupt the consensus splice donor site in NDRG1 are expected to be pathogenic. This variant is interpreted as likely pathogenic.

Natera, Inc.
Classification: Likely pathogenic for Charcot-Marie-Tooth disease type 4D. Last evaluated: 2025-12-02. Review status: criteria provided, single submitter. Criteria: Natera Variant Classification Schema (03/2026). Collection method: clinical testing. Allele origin: germline.
Comment: The c.205+1G>A variant in NDRG1 is a canonical splice donor site variant predicted to affect pre-mRNA splicing, which may result in an abnormal transcript and altered protein product. This variant is expected to result in nonsense mediated decay, truncation, or a dysfunctional protein product. This variant is rare in the general population with a frequency below the threshold expected for the associated phenotype(s). Given the available evidence, this variant is classified as Likely Pathogenic.

GeneDx
Classification: Pathogenic. Last evaluated: 2025-01-02. Review status: criteria provided, single submitter. Criteria: GeneDx Variant Classification Process June 2021. Collection method: clinical testing. Allele origin: germline. Affected: yes.
Comment: Observed with a second NDRG1 variant, in a proband with clinical suspicion of CMT; however additional clinical and segregation data were not provided (PMID: 34169998); Canonical splice site variant predicted to result in a null allele in a gene for which loss of function is a known mechanism of disease; Not observed at significant frequency in large population cohorts (gnomAD); This variant is associated with the following publications: (PMID: 34169998)

Labcorp Genetics (formerly Invitae), Labcorp
Classification: Pathogenic for Charcot-Marie-Tooth disease type 4. Last evaluated: 2024-03-16. Review status: criteria provided, single submitter. Criteria: Invitae Variant Classification Sherloc (09022015). Collection method: clinical testing. Allele origin: germline.
Comment: This sequence change affects a donor splice site in intron 4 of the NDRG1 gene. It is expected to disrupt RNA splicing. Variants that disrupt the donor or acceptor splice site typically lead to a loss of protein function (PMID: 16199547), and loss-of-function variants in NDRG1 are known to be pathogenic (PMID: 12872253, 23996628). This variant is not present in population databases (gnomAD no frequency). Disruption of this splice site has been observed in individuals with neuropathy (Invitae). ClinVar contains an entry for this variant (Variation ID: 410952). Algorithms developed to predict the effect of sequence changes on RNA splicing suggest that this variant may disrupt the consensus splice site. For these reasons, this variant has been classified as Pathogenic.

Fulgent Genetics
Classification: Likely pathogenic for Charcot-Marie-Tooth disease type 4D. Last evaluated: 2024-02-01. Review status: criteria provided, single submitter. Criteria: ACMG Guidelines, 2015. Collection method: clinical testing. Allele origin: germline.

Revvity Omics, Revvity
Classification: Likely pathogenic for Charcot-Marie-Tooth disease type 4D. Last evaluated: 2021-02-11. Review status: criteria provided, single submitter. Criteria: ACMG Guidelines, 2015. Collection method: clinical testing. Allele origin: germline.

Literature cited by the submitters: PubMed 16199547 (cited by Labcorp Genetics (formerly Invitae), Labcorp); PubMed 12872253 (cited by Labcorp Genetics (formerly Invitae), Labcorp); PubMed 23996628 (cited by Labcorp Genetics (formerly Invitae), Labcorp).